The following is an entry in ClinVar:

NM_032634.4(PIGO):c.2285C>T (p.Pro762Leu)

Gene: PIGO (phosphatidylinositol glycan anchor biosynthesis class O; minus strand). Cytogenetic location: 9p13.3.
Variant type: single nucleotide variant.
Coding change: c.2285C>T on transcript NM_032634.4 (MANE Select); coding-DNA position 2285, C replaced by T.
Protein change: p.Pro762Leu; replaces proline 762 with leucine.
Molecular consequence: missense variant. On other transcripts: intron variant (2).
Genome position (GRCh38, 1-based): chr9:35,091,602, G>A on the plus strand (C>T on the coding strand, the complement: PIGO is on the minus strand). VCF-style: chr9-35091602-G-A. GRCh37 (hg19) VCF-style: chr9-35091599-G-A.
Other names: c.2285C>T (NM_032634.3); c.1345-311C>T (NM_152850.4, NM_001201484.2); short protein forms P762L.
Identifiers: ClinVar variation 1045910 (VCV001045910.7), dbSNP rs767539954, ClinGen allele CA5040453.
Genomic context (GRCh38, chr9:35,091,602, plus strand): 5'-GGAGTGAGGACAGTCCTGGTCCTTGGAGCGCCTGCCCCAGCCTTCACCAGCACTGTCACA[G>A]GCTTCCAGAGCAGCAGCGCGAGCCCTGAAGCAGCCAGCCCTGCTACAGCCCGAGGCAGCA-3'
Protein context (NP_116023.2, residues 752-772): ASGLALLLWK[Pro762Leu]VTVLVKAGAG

ClinVar aggregate classification (germline): Uncertain significance. Review status: criteria provided, multiple submitters, no conflicts (2 of 4 stars). 3 submissions from 3 submitters: Uncertain significance (3). Last evaluated 2024-10-15.

Conditions:
Hyperphosphatasia with impaired intellectual development syndrome 2. Also called: Hyperphosphatasia with intellectual disability syndrome 2; GLYCOSYLPHOSPHATIDYLINOSITOL BIOSYNTHESIS DEFECT 6. Identifiers: Orphanet 247262, MedGen C3553637, MONDO:0013882, OMIM 614749.

Allele frequency attached by ClinVar (database versions not stated): gnomAD exomes 0.00001 and 0.00002; ExAC 0.00001; gnomAD 0.00001; TOPMed 0.00005.

Submissions (3):

Labcorp Genetics (formerly Invitae), Labcorp
Classification: Uncertain significance for Hyperphosphatasia with impaired intellectual development syndrome 2. Last evaluated: 2024-10-15. Review status: criteria provided, single submitter. Criteria: Invitae Variant Classification Sherloc (09022015). Collection method: clinical testing. Allele origin: germline.
Comment: This sequence change replaces proline, which is neutral and non-polar, with leucine, which is neutral and non-polar, at codon 762 of the PIGO protein (p.Pro762Leu). This variant is present in population databases (rs767539954, gnomAD 0.01%). This variant has not been reported in the literature in individuals affected with PIGO-related conditions. ClinVar contains an entry for this variant (Variation ID: 1045910). Invitae Evidence Modeling of protein sequence and biophysical properties (such as structural, functional, and spatial information, amino acid conservation, physicochemical variation, residue mobility, and thermodynamic stability) has been performed for this missense variant. However, the output from this modeling did not meet the statistical confidence thresholds required to predict the impact of this variant on PIGO protein function. In summary, the available evidence is currently insufficient to determine the role of this variant in disease. Therefore, it has been classified as a Variant of Uncertain Significance.

GeneDx
Classification: Uncertain significance. Last evaluated: 2023-09-19. Review status: criteria provided, single submitter. Criteria: GeneDx Variant Classification Process June 2021. Collection method: clinical testing. Allele origin: germline. Affected: yes.
Comment: Not observed at significant frequency in large population cohorts (gnomAD); In silico analysis supports that this missense variant has a deleterious effect on protein structure/function; Has not been previously published as pathogenic or benign to our knowledge

Blueprint Genetics
Classification: Uncertain significance. Last evaluated: 2022-04-12. Review status: criteria provided, single submitter. Criteria: ACMG Guidelines, 2015. Collection method: clinical testing. Allele origin: germline.